The following is an entry in ClinVar:

ClinVar aggregate classification (germline): Likely benign. Review status: criteria provided, multiple submitters, no conflicts (2 of 4 stars). 2 submissions from 2 submitters: Likely benign (2). Last evaluated 2024-08-21.

Conditions:
Seizures, benign familial infantile, 3 (BFIS3). Also called: Familial neonatal seizures; CONVULSIONS, BENIGN FAMILIAL INFANTILE, 3. Identifiers: Orphanet 140927, Orphanet 306, MedGen C1843140, MONDO:0011904, OMIM 607745.
Developmental and epileptic encephalopathy, 11 (DEE11). Also called: Early infantile epileptic encephalopathy 11. Identifiers: Orphanet 1934, MedGen C3150987, MONDO:0013388, OMIM 613721.

Allele frequency attached by ClinVar (database versions not stated): gnomAD exomes below 0.00001 and 0.00001; gnomAD 0.00001; TOPMed 0.00002.
gnomAD v4.1: 4 of 1,613,520 alleles (0.00025%); highest among the groups gnomAD compares: African/African-American, 0.0053%; no homozygotes.

Submissions (2):

Labcorp Genetics (formerly Invitae), Labcorp
Classification: Likely benign for Seizures, benign familial infantile, 3; Developmental and epileptic encephalopathy, 11. Last evaluated: 2024-08-21. Review status: criteria provided, single submitter. Criteria: Invitae Variant Classification Sherloc (09022015). Collection method: clinical testing. Allele origin: germline.

GeneDx
Classification: Likely benign. Last evaluated: 2017-04-12. Review status: criteria provided, single submitter. Criteria: GeneDx Variant Classification (06012015). Collection method: clinical testing. Allele origin: germline. Affected: yes.
Comment: This variant is considered likely benign or benign based on one or more of the following criteria: it is a conservative change, it occurs at a poorly conserved position in the protein, it is predicted to be benign by multiple in silico algorithms, and/or has population frequency not consistent with disease.

NM_001040142.2(SCN2A):c.1177-15T>G

Gene: SCN2A (sodium voltage-gated channel alpha subunit 2; plus strand). Cytogenetic location: 2q24.3.
Variant type: single nucleotide variant.
Coding change: c.1177-15T>G on transcript NM_001040142.2 (MANE Select); 15 bases into the intron before coding-DNA position 1177, T replaced by G.
Molecular consequence: intron variant.
Genome position (GRCh38, 1-based): chr2:165,313,887, T>G. VCF-style: chr2-165313887-T-G. GRCh37 (hg19) VCF-style: chr2-166170397-T-G.
Other names: c.1177-15T>G (NM_001040143.2, NM_001371246.1, NM_001371247.1 and 1 more transcripts).
Identifiers: ClinVar variation 508888 (VCV000508888.3), dbSNP rs1398497493, ClinGen allele CA537508002.